The following is an entry in ClinVar:

NM_032043.3(BRIP1):c.291C>A (p.Asn97Lys)

Gene: BRIP1 (BRCA1 interacting DNA helicase 1; minus strand). Cytogenetic location: 17q23.2.
Variant type: single nucleotide variant.
Coding change: c.291C>A on transcript NM_032043.3 (MANE Select); coding-DNA position 291, C replaced by A.
Protein change: p.Asn97Lys; replaces asparagine 97 with lysine.
Molecular consequence: missense variant.
Genome position (GRCh38, 1-based): chr17:61,857,146, G>T on the plus strand (C>A on the coding strand, the complement: BRIP1 is on the minus strand). VCF-style: chr17-61857146-G-T. GRCh37 (hg19) VCF-style: chr17-59934507-G-T.
Other names: short protein forms N97K.
Identifiers: ClinVar variation 863358 (VCV000863358.12), dbSNP rs766561078, ClinGen allele CA400485440.
Genomic context (GRCh38, chr17:61,857,146, plus strand): 5'-TTCAGAAGGTGGTGTGCTTGGATAGTTGAAATGACGTGAAGTTCCTTGGTTCATGTCATT[G>T]TTTGTAAAATCCTTTGAATGGCATGCACAACAACATGACAATTGTACTTCAGCTTTTTCA-3'
Protein context (NP_114432.2, residues 87-107): CCACHSKDFT[Asn97Lys]NDMNQGTSRH

ClinVar aggregate classification (germline): Uncertain significance. Review status: criteria provided, multiple submitters, no conflicts (2 of 4 stars). 3 submissions from 3 submitters: Uncertain significance (3). Last evaluated 2025-08-02.

Conditions:
Hereditary cancer-predisposing syndrome. Also called: Tumor predisposition; Hereditary Cancer Syndrome; Neoplastic Syndromes, Hereditary; Hereditary neoplastic syndrome. Identifiers: Orphanet 140162, MedGen C0027672, MeSH D009386, MONDO:0015356.
Familial cancer of breast. Also called: hereditary breast carcinoma; BREAST CANCER, FAMILIAL; Hereditary breast cancer. Identifiers: Orphanet 227535, MedGen C0346153, MONDO:0016419, OMIM 114480. Disease mechanism: loss of function.
Fanconi anemia complementation group J. Also called: BRIP1-Related Fanconi Anemia. Identifiers: Orphanet 84, MedGen C1836860, MONDO:0012187, OMIM 609054.

Submissions (3):

Ambry Genetics
Classification: Uncertain significance for Hereditary cancer-predisposing syndrome. Last evaluated: 2025-08-02. Review status: criteria provided, single submitter. Criteria: Ambry Variant Classification Scheme 2023. Collection method: clinical testing. Allele origin: germline.
Comment: The p.N97K variant (also known as c.291C>A), located in coding exon 3 of the BRIP1 gene, results from a C to A substitution at nucleotide position 291. The asparagine at codon 97 is replaced by lysine, an amino acid with similar properties. This amino acid position is conserved. In addition, this alteration is predicted to be tolerated by in silico analysis. Since supporting evidence is limited at this time, the clinical significance of this alteration remains unclear.

Labcorp Genetics (formerly Invitae), Labcorp
Classification: Uncertain significance for Familial cancer of breast; Fanconi anemia complementation group J. Last evaluated: 2024-09-17. Review status: criteria provided, single submitter. Criteria: Invitae Variant Classification Sherloc (09022015). Collection method: clinical testing. Allele origin: germline.
Comment: This sequence change replaces asparagine, which is neutral and polar, with lysine, which is basic and polar, at codon 97 of the BRIP1 protein (p.Asn97Lys). This variant is not present in population databases (gnomAD no frequency). This variant has not been reported in the literature in individuals affected with BRIP1-related conditions. ClinVar contains an entry for this variant (Variation ID: 863358). Invitae Evidence Modeling of protein sequence and biophysical properties (such as structural, functional, and spatial information, amino acid conservation, physicochemical variation, residue mobility, and thermodynamic stability) indicates that this missense variant is not expected to disrupt BRIP1 protein function with a negative predictive value of 80%. In summary, the available evidence is currently insufficient to determine the role of this variant in disease. Therefore, it has been classified as a Variant of Uncertain Significance.

Color Diagnostics, LLC DBA Color Health
Classification: Uncertain significance for Hereditary cancer-predisposing syndrome. Last evaluated: 2024-03-10. Review status: criteria provided, single submitter. Criteria: ACMG Guidelines, 2015. Collection method: clinical testing. Allele origin: germline.
Comment: This missense variant replaces asparagine with lysine at codon 97 of the BRIP1 protein. Computational prediction suggests that this variant may not impact protein structure and function (internally defined REVEL score threshold <= 0.5, PMID: 27666373). To our knowledge, functional studies have not been reported for this variant. This variant has not been reported in individuals affected with BRIP1-related disorders in the literature. This variant has not been identified in the general population by the Genome Aggregation Database (gnomAD). The available evidence is insufficient to determine the role of this variant in disease conclusively. Therefore, this variant is classified as a Variant of Uncertain Significance.